The following is an entry in ClinVar:

ClinVar aggregate classification (germline): Uncertain significance (1 of 4 stars; one submission).

Submission:

GeneDx
Classification: Uncertain significance. Last evaluated: 2023-01-04. Review status: criteria provided, single submitter. Criteria: GeneDx Variant Classification Process June 2021. Collection method: clinical testing. Allele origin: germline. Affected: yes.
Comment: Not observed at significant frequency in large population cohorts (gnomAD); In silico analysis supports that this missense variant has a deleterious effect on protein structure/function; Has not been previously published as pathogenic or benign to our knowledge

NM_001039591.3(USP9X):c.4610A>G (p.Glu1537Gly)

Gene: USP9X (ubiquitin specific peptidase 9 X-linked; plus strand). Cytogenetic location: Xp11.4.
Variant type: single nucleotide variant.
Coding change: c.4610A>G on transcript NM_001039591.3 (MANE Select); coding-DNA position 4610, A replaced by G.
Protein change: p.Glu1537Gly; replaces glutamic acid 1537 with glycine.
Molecular consequence: missense variant.
Genome position (GRCh38, 1-based): chrX:41,201,066, A>G. VCF-style: chrX-41201066-A-G. GRCh37 (hg19) VCF-style: chrX-41060319-A-G.
Other names: c.4610A>G, p.Glu1537Gly (NM_001039590.3); c.4625A>G, p.Glu1542Gly (NM_001410748.1, NM_001410749.1); short protein forms E1537G, E1542G.
Identifiers: ClinVar variation 2571700 (VCV002571700.1), dbSNP rs2519324292, ClinGen allele CA412778139.